The following is an entry in ClinVar:

ClinVar aggregate classification (germline): Uncertain significance (1 of 4 stars; one submission).

Conditions:
Primary ciliary dyskinesia. Also called: Ciliary dyskinesia. Identifiers: Orphanet 244, MedGen C0008780, MONDO:0016575, HP:0012265.

Allele frequency attached by ClinVar (database versions not stated): gnomAD 0.00001; gnomAD exomes 0.00001 and 0.00002; ExAC 0.00002.
gnomAD v4.1: 15 of 1,607,156 alleles (0.00093%); highest among the groups gnomAD compares: East Asian, 0.0067%; no homozygotes.

Submission:

Labcorp Genetics (formerly Invitae), Labcorp
Classification: Uncertain significance for Primary ciliary dyskinesia. Last evaluated: 2024-10-07. Review status: criteria provided, single submitter. Criteria: Invitae Variant Classification Sherloc (09022015). Collection method: clinical testing. Allele origin: germline.
Comment: This sequence change affects codon 176 of the DRC1 mRNA. It is a 'silent' change, meaning that it does not change the encoded amino acid sequence of the DRC1 protein. This variant is present in population databases (rs780717600, gnomAD 0.02%). This variant has not been reported in the literature in individuals affected with DRC1-related conditions. ClinVar contains an entry for this variant (Variation ID: 525290). Algorithms developed to predict the effect of sequence changes on RNA splicing suggest that this variant may disrupt the consensus splice site. In summary, the available evidence is currently insufficient to determine the role of this variant in disease. Therefore, it has been classified as a Variant of Uncertain Significance.

NM_145038.5(DRC1):c.528C>T (p.Ser176=)

Gene: DRC1 (dynein regulatory complex subunit 1; plus strand). Cytogenetic location: 2p23.3.
Variant type: single nucleotide variant.
Coding change: c.528C>T on transcript NM_145038.5 (MANE Select); coding-DNA position 528, C replaced by T.
Protein change: p.Ser176=; no amino-acid change (serine 176 retained).
Molecular consequence: synonymous variant.
Genome position (GRCh38, 1-based): chr2:26,424,442, C>T. VCF-style: chr2-26424442-C-T. GRCh37 (hg19) VCF-style: chr2-26647310-C-T.
Identifiers: ClinVar variation 525290 (VCV000525290.6), dbSNP rs780717600, ClinGen allele CA1561887.